The following is an entry in ClinVar:

NM_000548.5(TSC2):c.4912A>C (p.Lys1638Gln)

Gene: TSC2 (TSC complex subunit 2; plus strand). Cytogenetic location: 16p13.3.
Variant type: single nucleotide variant.
Coding change: c.4912A>C on transcript NM_000548.5 (MANE Select); coding-DNA position 4912, A replaced by C.
Protein change: p.Lys1638Gln; replaces lysine 1638 with glutamine.
Molecular consequence: missense variant. On other transcripts: non-coding transcript variant (5).
Genome position (GRCh38, 1-based): chr16:2,086,794, A>C. VCF-style: chr16-2086794-A-C. GRCh37 (hg19) VCF-style: chr16-2136795-A-C.
Other names: c.4711A>C, p.Lys1571Gln (NM_001077183.3); c.4843A>C, p.Lys1615Gln (NM_001114382.3); c.4603A>C, p.Lys1535Gln (NM_001318827.2); c.4567A>C, p.Lys1523Gln (NM_001318829.2); c.4180A>C, p.Lys1394Gln (NM_001318831.2); c.4744A>C, p.Lys1582Gln (NM_001318832.2); c.4714A>C, p.Lys1572Gln (NM_001363528.2); c.4780A>C, p.Lys1594Gln (NM_001370404.1); and 26 more; short protein forms K1146Q, K1147Q, K1414Q, K1523Q, K1565Q, K1582Q, K1594Q, K1595Q.
Identifiers: ClinVar variation 4192204 (VCV004192204.2).

ClinVar aggregate classification (germline): Uncertain significance (1 of 4 stars; one submission).

Conditions:
Hereditary cancer-predisposing syndrome. Also called: Neoplastic Syndromes, Hereditary; Tumor predisposition; Hereditary Cancer Syndrome; Hereditary neoplastic syndrome. Identifiers: Orphanet 140162, MedGen C0027672, MeSH D009386, MONDO:0015356.

Submission:

Ambry Genetics
Classification: Uncertain significance for Hereditary cancer-predisposing syndrome. Last evaluated: 2026-05-08. Review status: criteria provided, single submitter. Criteria: Ambry Variant Classification Scheme 2023. Collection method: clinical testing. Allele origin: germline.
Comment: The p.K1638Q variant (also known as c.4912A>C), located in coding exon 37 of the TSC2 gene, results from an A to C substitution at nucleotide position 4912. The lysine at codon 1638 is replaced by glutamine, an amino acid with similar properties. This amino acid position is highly conserved in available vertebrate species. In addition, this alteration is predicted to be deleterious by in silico analysis. Based on the available evidence, the clinical significance of this variant remains unclear.